The following is an entry in ClinVar:

NC_000023.10:g.(?_31462588)_31697713dup

Gene: DMD (dystrophin; minus strand).
Variant type: Duplication.
Identifiers: ClinVar variation 1068606 (VCV001068606.2).

ClinVar aggregate classification (germline): Pathogenic (1 of 4 stars; one submission).

Conditions:
Duchenne muscular dystrophy (DMD). Also called: MUSCULAR DYSTROPHY, PSEUDOHYPERTROPHIC PROGRESSIVE, DUCHENNE TYPE; Duchenne Muscular Dystrophy (DMD). Identifiers: Orphanet 98896, MedGen C0013264, MONDO:0010679, OMIM 310200.

Submission:

Labcorp Genetics (formerly Invitae), Labcorp
Classification: Pathogenic for Duchenne muscular dystrophy. Last evaluated: 2020-08-07. Review status: criteria provided, single submitter. Criteria: Invitae Variant Classification Sherloc (09022015). Collection method: clinical testing. Allele origin: germline.
Comment: This variant results in a copy number gain of the genomic region encompassing exons 53-60 of the DMD gene. While the exact position of this variant cannot be determined from this data, sub-genic copy number gains are generally in tandem (PMID: 25640679) and may result in an absent or disrupted protein product. This variant has been observed in individuals affected with¬†Duchenne muscular dystrophy or¬†Becker muscular dystrophy¬†(PMID: 21815800, 29304097). Loss-of-function variants in DMD are known to be pathogenic (PMID: 16770791, 25007885). For these reasons, this variant has been classified as Pathogenic.

Literature cited by the submitters: PubMed 25640679; PubMed 21815800; PubMed 29304097; PubMed 16770791; PubMed 25007885.